The following is an entry in ClinVar:

ClinVar aggregate classification (germline): Uncertain significance (1 of 4 stars; one submission).

Allele frequency attached by ClinVar (database versions not stated): gnomAD exomes below 0.00001.
gnomAD v4.1: 2 of 1,614,028 alleles (0.00012%); highest among the groups gnomAD compares: Non-Finnish European, 0.00017%; no homozygotes.

Submission:

Labcorp Genetics (formerly Invitae), Labcorp
Classification: Uncertain significance. Last evaluated: 2022-09-16. Review status: criteria provided, single submitter. Criteria: Invitae Variant Classification Sherloc (09022015). Collection method: clinical testing. Allele origin: germline.
Comment: This sequence change replaces alanine, which is neutral and non-polar, with glutamic acid, which is acidic and polar, at codon 464 of the GATAD2B protein (p.Ala464Glu). This variant is present in population databases (no rsID available, gnomAD 0.0009%). This variant has not been reported in the literature in individuals affected with GATAD2B-related conditions. Advanced modeling of protein sequence and biophysical properties (such as structural, functional, and spatial information, amino acid conservation, physicochemical variation, residue mobility, and thermodynamic stability) performed at Invitae indicates that this missense variant is expected to disrupt GATAD2B protein function. In summary, the available evidence is currently insufficient to determine the role of this variant in disease. Therefore, it has been classified as a Variant of Uncertain Significance.

NM_020699.4(GATAD2B):c.1391C>A (p.Ala464Glu)

Gene: GATAD2B (GATA zinc finger domain containing 2B; minus strand). Cytogenetic location: 1q21.3.
Variant type: single nucleotide variant.
Coding change: c.1391C>A on transcript NM_020699.4 (MANE Select); coding-DNA position 1391, C replaced by A.
Protein change: p.Ala464Glu; replaces alanine 464 with glutamic acid.
Molecular consequence: missense variant.
Genome position (GRCh38, 1-based): chr1:153,813,278, G>T on the plus strand (C>A on the coding strand, the complement: GATAD2B is on the minus strand). VCF-style: chr1-153813278-G-T. GRCh37 (hg19) VCF-style: chr1-153785754-G-T.
Other names: short protein forms A464E.
Identifiers: ClinVar variation 1916311 (VCV001916311.5), dbSNP rs1281702623, ClinGen allele CA342523897.